The following is an entry in ClinVar:

ClinVar aggregate classification (germline): Uncertain significance (1 of 4 stars; one submission).

Conditions:
Inborn genetic diseases. Identifiers: MedGen C0950123, MeSH D030342.

Submission:

Ambry Genetics
Classification: Uncertain significance for Inborn genetic diseases. Last evaluated: 2026-09-06. Review status: criteria provided, single submitter. Criteria: Ambry Variant Classification Scheme 2023. Collection method: clinical testing. Allele origin: germline.
Comment: The p.N156K variant (also known as c.468T>A), located in coding exon 3 of the ANKRD26 gene, results from a T to A substitution at nucleotide position 468. The asparagine at codon 156 is replaced by lysine, an amino acid with similar properties. This amino acid position is conserved. In addition, this alteration is predicted to be tolerated by in silico analysis. Based on the available evidence, the clinical significance of this variant remains unclear.

NM_014915.3(ANKRD26):c.468T>A (p.Asn156Lys)

Gene: ANKRD26 (ankyrin repeat domain 26; minus strand). Cytogenetic location: 10p12.1.
Variant type: single nucleotide variant.
Coding change: c.468T>A on transcript NM_014915.3 (MANE Select); coding-DNA position 468, T replaced by A.
Protein change: p.Asn156Lys; replaces asparagine 156 with lysine.
Molecular consequence: missense variant.
Genome position (GRCh38, 1-based): chr10:27,093,412, A>T on the plus strand (T>A on the coding strand, the complement: ANKRD26 is on the minus strand). VCF-style: chr10-27093412-A-T. GRCh37 (hg19) VCF-style: chr10-27382341-A-T.
Other names: c.468T>A, p.Asn156Lys (NM_001256053.2); short protein forms N156K.
Identifiers: ClinVar variation 5023787 (VCV005023787.1).
Genomic context (GRCh38, chr10:27,093,412, plus strand): 5'-GTTTTTTGCTTCAATATTTGCATCATACAAAAGCAGCTTTGTTGCTACTGATATGTCCTC[A>T]TTATAGACAGCATAGTGAAGAGCAGTGTTGCCATGGACATCCGCAAGATTTGGATCAGCA-3'
Protein context (NP_055730.2, residues 146-166): GNTALHYAVY[Asn156Lys]EDISVATKLL